The following is an entry in ClinVar:

ClinVar aggregate classification (germline): Uncertain significance (1 of 4 stars; one submission).

Conditions:
Breast-ovarian cancer, familial, susceptibility to, 2 (BROVCA2). Also called: BRCA2 Hereditary Breast and Ovarian Cancer. Identifiers: Orphanet 145, MedGen C2675520, MONDO:0012933, OMIM 612555. Disease mechanism: loss of function.

Submission:

All of Us Research Program, National Institutes of Health
Classification: Uncertain significance for Breast-ovarian cancer, familial, susceptibility to, 2. Last evaluated: 2023-08-28. Review status: criteria provided, single submitter. Criteria: ACMG Guidelines, 2015. Collection method: clinical testing. Allele origin: germline. Inheritance: Autosomal dominant inheritance. Observed: 1 variant allele, 1 heterozygote.
Comment: This variant causes an in-frame deletion of phenylalanine at position 2801 in the BRCA2 protein. To our knowledge, functional studies have not been reported for this variant. This variant has not been reported in individuals affected with hereditary cancer in the literature. This variant has not been identified in the general population by the Genome Aggregation Database (gnomAD). The available evidence is insufficient to determine the role of this variant in disease conclusively. Therefore, this variant is classified as a Variant of Uncertain Significance.

This study involves interpretation of variants in research participants for the purpose of population health screening. Participant phenotype was not available at the time of variant classification. Additional details can be found in publication PMID: 35346344, PMCID: PMC8962531

NM_000059.4(BRCA2):c.8401_8403del (p.Phe2801del)

Gene: BRCA2 (BRCA2 DNA repair associated; plus strand). Cytogenetic location: 13q13.1.
Variant type: Deletion.
Coding change: c.8401_8403del on transcript NM_000059.4 (MANE Select); coding-DNA positions 8401 to 8403, 3 bases deleted (TTT; older notation c.8401_8403delTTT).
Protein change: p.Phe2801del; deletes phenylalanine 2801.
Molecular consequence: inframe deletion. On other transcripts: non-coding transcript variant (1).
Genome position (GRCh38, 1-based): chr13:32,370,471-32,370,473, TTT deleted; deleting any 3 consecutive bases within chr13:32,370,470-32,370,473 gives the same sequence; the c. name uses the placement nearest the transcript's 3' end. VCF-style (leftmost placement, unchanged base first): chr13-32370469-CTTT-C. GRCh37 (hg19) VCF-style: chr13-32944606-CTTT-C.
Other names: c.8305_8307del, p.Phe2769del (NM_001406719.1); c.8401_8403del, p.Phe2801del (NM_001406720.1); c.3469_3471del, p.Phe1157del (NM_001406721.1); c.1984_1986del, p.Phe662del (NM_001406722.1); short protein forms F1157del, F2769del, F2801del, F662del.
Identifiers: ClinVar variation 3075636 (VCV003075636.1), dbSNP rs1593930303, ClinGen allele CA2825002153.